The following is an entry in ClinVar:

ClinVar aggregate classification (germline): Uncertain significance (1 of 4 stars; one submission).

Conditions:
Cardiovascular phenotype. Identifiers: MedGen CN230736.

Allele frequency attached by ClinVar (database versions not stated): gnomAD exomes below 0.00001.
gnomAD v4.1: 2 of 1,613,590 alleles (0.00012%); highest among the groups gnomAD compares: Non-Finnish European, 0.00017%; no homozygotes.

Submission:

Ambry Genetics
Classification: Uncertain significance for Cardiovascular phenotype. Last evaluated: 2024-05-23. Review status: criteria provided, single submitter. Criteria: Ambry Variant Classification Scheme 2023. Collection method: clinical testing. Allele origin: germline.
Comment: The p.Q583H variant (also known as c.1749G>C), located in coding exon 6 of the KCND3 gene, results from a G to C substitution at nucleotide position 1749. The glutamine at codon 583 is replaced by histidine, an amino acid with highly similar properties. This amino acid position is highly conserved in available vertebrate species. In addition, the in silico prediction for this alteration is inconclusive. Since supporting evidence is limited at this time, the clinical significance of this alteration remains unclear.

NM_001378969.1(KCND3):c.1749G>C (p.Gln583His)

Gene: KCND3 (potassium voltage-gated channel subfamily D member 3; minus strand). Cytogenetic location: 1p13.2.
Variant type: single nucleotide variant.
Coding change: c.1749G>C on transcript NM_001378969.1 (MANE Select); coding-DNA position 1749, G replaced by C.
Protein change: p.Gln583His; replaces glutamine 583 with histidine.
Molecular consequence: missense variant.
Genome position (GRCh38, 1-based): chr1:111,777,043, C>G on the plus strand (G>C on the coding strand, the complement: KCND3 is on the minus strand). VCF-style: chr1-111777043-C-G. GRCh37 (hg19) VCF-style: chr1-112319665-C-G.
Other names: c.1692G>C, p.Gln564His (NM_001378970.1, NM_172198.3); c.1749G>C, p.Gln583His (NM_004980.5); short protein forms Q583H, Q564H.
Identifiers: ClinVar variation 1779345 (VCV001779345.3), dbSNP rs2524992940, ClinGen allele CA341656351.